The following is an entry in ClinVar:

ClinVar aggregate classification (germline): Uncertain significance (1 of 4 stars; one submission).

Conditions:
Hyperinsulinism-hyperammonemia syndrome (HHF6). Identifiers: Orphanet 35878, MedGen C1847555, MONDO:0011717, OMIM 606762.

gnomAD v4.1: 1 of 1,614,202 alleles (0.000062%); highest among the groups gnomAD compares: Non-Finnish European, 0.000085%; no homozygotes.

Submission:

Labcorp Genetics (formerly Invitae), Labcorp
Classification: Uncertain significance for Hyperinsulinism-hyperammonemia syndrome. Last evaluated: 2020-01-22. Review status: criteria provided, single submitter. Criteria: Invitae Variant Classification Sherloc (09022015). Collection method: clinical testing. Allele origin: germline.
Comment: This variant has not been reported in the literature in individuals with GLUD1-related disease. In summary, the available evidence is currently insufficient to determine the role of this variant in disease. Therefore, it has been classified as a Variant of Uncertain Significance. Algorithms developed to predict the effect of missense changes on protein structure and function are either unavailable or do not agree on the potential impact of this missense change (SIFT: "Tolerated"; PolyPhen-2: "Possibly Damaging"; Align-GVGD: "Class C0"). This variant is not present in population databases (ExAC no frequency). This sequence change replaces isoleucine with valine at codon 378 of the GLUD1 protein (p.Ile378Val). The isoleucine residue is highly conserved and there is a small physicochemical difference between isoleucine and valine.

NM_005271.5(GLUD1):c.1132A>G (p.Ile378Val)

Gene: GLUD1 (glutamate dehydrogenase 1; minus strand). Cytogenetic location: 10q23.2.
Variant type: single nucleotide variant.
Coding change: c.1132A>G on transcript NM_005271.5 (MANE Select); coding-DNA position 1132, A replaced by G.
Protein change: p.Ile378Val; replaces isoleucine 378 with valine.
Molecular consequence: missense variant.
Genome position (GRCh38, 1-based): chr10:87,060,753, T>C on the plus strand (A>G on the coding strand, the complement: GLUD1 is on the minus strand). VCF-style: chr10-87060753-T-C. GRCh37 (hg19) VCF-style: chr10-88820510-T-C.
Other names: c.733A>G, p.Ile245Val (NM_001318900.1); c.631A>G, p.Ile211Val (NM_001318901.1, NM_001318902.1, NM_001318904.2 and 2 more transcripts); short protein forms I378V, I211V, I245V.
Identifiers: ClinVar variation 656107 (VCV000656107.9), dbSNP rs1589358775, ClinGen allele CA377466956.